The following is an entry in ClinVar:

ClinVar aggregate classification (germline): Benign. Review status: criteria provided, multiple submitters, no conflicts (2 of 4 stars). 3 submissions from 3 submitters: Benign (3). Last evaluated 2026-02-03.

Conditions:
Epilepsy. Also called: Seizure disorder. Identifiers: MedGen C0014544, MeSH D004827, MONDO:0005027.

Allele frequency attached by ClinVar (database versions not stated): 1000 Genomes Project 0.00899; 1000 Genomes Project 30x 0.00953; gnomAD 0.01922 and 0.02006; gnomAD exomes 0.01944 and 0.02938; TOPMed 0.01979; ExAC 0.02065; ESP Exome Variant Server 0.02515.
gnomAD v4.1: 45,419 of 1,607,878 alleles (2.8%); highest among the groups gnomAD compares: Non-Finnish European, 3.5%; 744 homozygotes.

Submissions (3):

Labcorp Genetics (formerly Invitae), Labcorp
Classification: Benign for Epilepsy. Last evaluated: 2026-02-03. Review status: criteria provided, single submitter. Criteria: Invitae Variant Classification Sherloc (09022015). Collection method: clinical testing. Allele origin: germline.

Mayo Clinic Laboratories, Mayo Clinic
Classification: Benign. Last evaluated: 2022-06-24. Review status: criteria provided, single submitter. Criteria: ACMG Guidelines, 2015. Collection method: clinical testing. Allele origin: germline. Observed: 15 variant alleles.
Comment: BS1, BS2, BP4, BP7

Breakthrough Genomics
Classification: Benign. Review status: criteria provided, single submitter. Criteria: ACMG Guidelines, 2015. Collection method: not provided. Allele origin: germline. Inheritance: Autosomal recessive inheritance. Affected: yes.

NM_004204.5(PIGQ):c.27G>A (p.Thr9=)

Gene: PIGQ (phosphatidylinositol glycan anchor biosynthesis class Q; plus strand). Cytogenetic location: 16p13.3.
Variant type: single nucleotide variant.
Coding change: c.27G>A on transcript NM_004204.5 (MANE Select); coding-DNA position 27, G replaced by A.
Protein change: p.Thr9=; no amino-acid change (threonine 9 retained).
Molecular consequence: synonymous variant.
Genome position (GRCh38, 1-based): chr16:574,101, G>A. VCF-style: chr16-574101-G-A. GRCh37 (hg19) VCF-style: chr16-624101-G-A.
Other names: p.Thr9=; c.27G>A, p.Thr9= (NM_148920.4); c.27G>A (NM_004204.4).
Identifiers: ClinVar variation 456041 (VCV000456041.13), dbSNP rs61753370, ClinGen allele CA7779755.